The following is an entry in ClinVar:

NM_006005.3(WFS1):c.2225G>A (p.Cys742Tyr)

Gene: WFS1 (wolframin ER transmembrane glycoprotein; plus strand). Cytogenetic location: 4p16.1.
Variant type: single nucleotide variant.
Coding change: c.2225G>A on transcript NM_006005.3 (MANE Select); coding-DNA position 2225, G replaced by A.
Protein change: p.Cys742Tyr; replaces cysteine 742 with tyrosine.
Molecular consequence: missense variant.
Genome position (GRCh38, 1-based): chr4:6,302,020, G>A. VCF-style: chr4-6302020-G-A. GRCh37 (hg19) VCF-style: chr4-6303747-G-A.
Other names: c.2225G>A, p.Cys742Tyr (NM_001145853.1); short protein forms C742Y.
Identifiers: ClinVar variation 906717 (VCV000906717.9), dbSNP rs775216682, ClinGen allele CA2839654.

ClinVar aggregate classification (germline): Uncertain significance/Uncertain risk allele. Review status: criteria provided, multiple submitters, no conflicts (2 of 4 stars). 4 submissions from 3 submitters: Uncertain significance (3); Uncertain risk allele (1). Last evaluated 2022-07-23.

Conditions:
Wolfram syndrome 1 (WFS1). Identifiers: Orphanet 3463, MedGen C4551693, MONDO:0009101, OMIM 222300.
WFS1-Related Spectrum Disorders.
Autosomal dominant nonsyndromic hearing loss 6 (LFSNHL). Also called: DEAFNESS, AUTOSOMAL DOMINANT 6; DEAFNESS, AUTOSOMAL DOMINANT 14; DEAFNESS, AUTOSOMAL DOMINANT 38; Autosomal dominant nonsyndromic deafness 6; DIDMOAD (Diabetes Insipidus, Diabetes Mellitus, Optic Atrophy, and Deafness). Identifiers: Orphanet 90635, MedGen C1833021, MONDO:0010963, OMIM 600965.

Allele frequency attached by ClinVar (database versions not stated): ExAC 0.00002; TOPMed 0.00002; gnomAD 0.00003.
gnomAD v4.1: 16 of 1,612,602 alleles (0.00099%); highest among the groups gnomAD compares: East Asian, 0.0045%; no homozygotes.

Submissions (4):

Labcorp Genetics (formerly Invitae), Labcorp
Classification: Uncertain significance. Last evaluated: 2022-07-23. Review status: criteria provided, single submitter. Criteria: Invitae Variant Classification Sherloc (09022015). Collection method: clinical testing. Allele origin: germline.
Comment: ClinVar contains an entry for this variant (Variation ID: 906717). In summary, the available evidence is currently insufficient to determine the role of this variant in disease. Therefore, it has been classified as a Variant of Uncertain Significance. Advanced modeling of protein sequence and biophysical properties (such as structural, functional, and spatial information, amino acid conservation, physicochemical variation, residue mobility, and thermodynamic stability) performed at Invitae indicates that this missense variant is expected to disrupt WFS1 protein function. This variant has not been reported in the literature in individuals affected with WFS1-related conditions. This variant is present in population databases (rs775216682, gnomAD 0.005%). This sequence change replaces cysteine, which is neutral and slightly polar, with tyrosine, which is neutral and polar, at codon 742 of the WFS1 protein (p.Cys742Tyr).

Illumina Laboratory Services, Illumina
Classification: Uncertain significance for WFS1-Related Spectrum Disorders. Last evaluated: 2018-01-13. Review status: criteria provided, single submitter. Criteria: ICSL Variant Classification Criteria 13 December 2019. Collection method: clinical testing. Allele origin: germline.

Illumina Laboratory Services, Illumina
Classification: Uncertain significance for Autosomal dominant nonsyndromic hearing loss 6. Last evaluated: 2018-01-13. Review status: criteria provided, single submitter. Criteria: ICSL Variant Classification Criteria 13 December 2019. Collection method: clinical testing. Allele origin: germline.

Clinical Genomics, Uppaluri K&H Personalized Medicine Clinic
Classification: Uncertain risk allele for Wolfram syndrome 1. Review status: criteria provided, single submitter. Criteria: K & H Uppaluri Personalized Medicine Clinic Variant Classification & Assertion Criteria_Updated V.1. Collection method: research. Allele origin: unknown. Inheritance: Autosomal recessive inheritance.
Comment: Potent mutations in WFS1 gene are associated with Wolfram's syndrome, an autosomal recessive condition, which cause diabetes mellitus, diabetes insipidus, deafness and optic atrophy. However no sufficient evidence is found to ascertain the role of this particular variant rs775216682 in Wolfram's syndrome yet.

Literature cited by the submitters: PubMed 20738327 (cited by Clinical Genomics, Uppaluri K&H Personalized Medicine Clinic); PubMed 33879153 (cited by Clinical Genomics, Uppaluri K&H Personalized Medicine Clinic); PubMed 12955714 (cited by Clinical Genomics, Uppaluri K&H Personalized Medicine Clinic); PubMed 18060660 (cited by Clinical Genomics, Uppaluri K&H Personalized Medicine Clinic); PubMed 20301750 (cited by Clinical Genomics, Uppaluri K&H Personalized Medicine Clinic); PubMed 17603484 (cited by Clinical Genomics, Uppaluri K&H Personalized Medicine Clinic).